The following is an entry in ClinVar:

NM_000548.5(TSC2):c.3415G>T (p.Val1139Phe)

Gene: TSC2 (TSC complex subunit 2; plus strand). Cytogenetic location: 16p13.3.
Variant type: single nucleotide variant.
Coding change: c.3415G>T on transcript NM_000548.5 (MANE Select); coding-DNA position 3415, G replaced by T.
Protein change: p.Val1139Phe; replaces valine 1139 with phenylalanine.
Molecular consequence: missense variant. On other transcripts: non-coding transcript variant (5).
Genome position (GRCh38, 1-based): chr16:2,080,182, G>T. VCF-style: chr16-2080182-G-T. GRCh37 (hg19) VCF-style: chr16-2130183-G-T.
Other names: c.3283G>T, p.Val1095Phe (NM_001077183.3, NM_001370404.1, NM_001406665.1); c.3415G>T, p.Val1139Phe (NM_001114382.3); c.3175G>T, p.Val1059Phe (NM_001318827.2); c.3139G>T, p.Val1047Phe (NM_001318829.2); c.2683G>T, p.Val895Phe (NM_001318831.2, NM_001406687.1, NM_001406688.1); c.3316G>T, p.Val1106Phe (NM_001318832.2); c.3286G>T, p.Val1096Phe (NM_001363528.2, NM_001370405.1, NM_021055.3); c.3412G>T, p.Val1138Phe (NM_001406663.1, NM_001406664.1); and 18 more; short protein forms V1046F, V1047F, V1058F, V1059F, V1076F, V1089F, V1090F, V1091F.
Identifiers: ClinVar variation 3232144 (VCV003232144.1), dbSNP rs759174655, ClinGen allele CA394288464.

ClinVar aggregate classification (germline): Uncertain significance (1 of 4 stars; one submission).

Conditions:
Hereditary cancer-predisposing syndrome. Also called: Neoplastic Syndromes, Hereditary; Tumor predisposition; Hereditary neoplastic syndrome; Hereditary Cancer Syndrome. Identifiers: Orphanet 140162, MedGen C0027672, MeSH D009386, MONDO:0015356.

Submission:

Ambry Genetics
Classification: Uncertain significance for Hereditary cancer-predisposing syndrome. Last evaluated: 2023-12-22. Review status: criteria provided, single submitter. Criteria: Ambry Variant Classification Scheme 2023. Collection method: clinical testing. Allele origin: germline.
Comment: The p.V1139F variant (also known as c.3415G>T), located in coding exon 29 of the TSC2 gene, results from a G to T substitution at nucleotide position 3415. The valine at codon 1139 is replaced by phenylalanine, an amino acid with highly similar properties. This amino acid position is conserved. In addition, the in silico prediction for this alteration is inconclusive. Since supporting evidence is limited at this time, the clinical significance of this alteration remains unclear.